The following is an entry in ClinVar:

NM_000435.3(NOTCH3):c.6668C>T (p.Ala2223Val)

Gene: NOTCH3 (notch receptor 3; minus strand). Cytogenetic location: 19p13.12.
Variant type: single nucleotide variant.
Coding change: c.6668C>T on transcript NM_000435.3 (MANE Select); coding-DNA position 6668, C replaced by T.
Protein change: p.Ala2223Val; replaces alanine 2223 with valine.
Molecular consequence: missense variant.
Genome position (GRCh38, 1-based): chr19:15,160,960, G>A on the plus strand (C>T on the coding strand, the complement: NOTCH3 is on the minus strand). VCF-style: chr19-15160960-G-A. GRCh37 (hg19) VCF-style: chr19-15271771-G-A.
Other names: short protein forms A2223V.
Identifiers: ClinVar variation 256152 (VCV000256152.42), dbSNP rs1044009, ClinGen allele CA9262326.

ClinVar aggregate classification (germline): Benign. Review status: criteria provided, multiple submitters, no conflicts (2 of 4 stars). 14 submissions from 13 submitters: Benign (11). 3 of the submissions do not count toward it. Last evaluated 2026-02-03.

Conditions:
Lateral meningocele syndrome (LMNS). Also called: NOTCH3-Related Lateral Meningocele Syndrome. Identifiers: Orphanet 2789, MedGen C1851710, MONDO:0007537, OMIM 130720.
Cerebral arteriopathy, autosomal dominant, with subcortical infarcts and leukoencephalopathy, type 1 (CADASIL1). Also called: CASIL; Cerebral arteriopathy with subcortical infarcts and leukoencephalopathy 1; DEMENTIA, HEREDITARY MULTIINFARCT TYPE; CADASIL 1. Identifiers: Orphanet 136, MedGen C4551768, MONDO:0000914, OMIM 125310.

Allele frequency attached by ClinVar (database versions not stated): 1000 Genomes Project 0.62939; 1000 Genomes Project 30x 0.63164; TOPMed 0.66721; gnomAD 0.69083 and 0.69087; gnomAD exomes 0.71412 and 0.76238; ESP Exome Variant Server 0.73490; ExAC 0.75907.
gnomAD v4.1: 1,190,588 of 1,578,678 alleles (75%); highest among the groups gnomAD compares: Non-Finnish European, 78%; 454,095 homozygotes.

Submissions (14):

Labcorp Genetics (formerly Invitae), Labcorp
Classification: Benign. Last evaluated: 2026-02-03. Review status: criteria provided, single submitter. Criteria: Invitae Variant Classification Sherloc (09022015). Collection method: clinical testing. Allele origin: germline.

ARUP Laboratories, Molecular Genetics and Genomics, ARUP Laboratories
Classification: Benign. Last evaluated: 2025-07-31. Review status: criteria provided, single submitter. Criteria: ARUP Molecular Germline Variant Investigation Process 2024. Collection method: clinical testing. Allele origin: germline.

Blueprint Genetics
Classification: Benign. Last evaluated: 2024-11-28. Review status: criteria provided, single submitter. Criteria: ACMG Guidelines, 2015. Collection method: clinical testing. Allele origin: germline.

Mayo Clinic Laboratories, Mayo Clinic
Classification: Benign. Last evaluated: 2023-01-11. Review status: criteria provided, single submitter. Criteria: ACMG Guidelines, 2015. Collection method: clinical testing. Allele origin: germline. Observed: 2,773 variant alleles.
Comment: BA1

Genome-Nilou Lab
Classification: Benign for Cerebral arteriopathy, autosomal dominant, with subcortical infarcts and leukoencephalopathy, type 1. Last evaluated: 2021-09-05. Review status: criteria provided, single submitter. Criteria: ACMG Guidelines, 2015. Collection method: clinical testing. Allele origin: germline. Affected: no.

Genome-Nilou Lab
Classification: Benign for Lateral meningocele syndrome. Last evaluated: 2021-09-05. Review status: criteria provided, single submitter. Criteria: ACMG Guidelines, 2015. Collection method: clinical testing. Allele origin: germline. Affected: no.

GeneDx
Classification: Benign. Last evaluated: 2021-04-26. Review status: criteria provided, single submitter. Criteria: GeneDx Variant Classification Process June 2021. Collection method: clinical testing. Allele origin: germline. Affected: yes.
Comment: This variant is associated with the following publications: (PMID: 31288479, 24086431, 28867359, 22153900, 30993645)

Illumina Laboratory Services, Illumina
Classification: Benign for Cerebral arteriopathy, autosomal dominant, with subcortical infarcts and leukoencephalopathy, type 1. Last evaluated: 2018-01-13. Review status: criteria provided, single submitter. Criteria: ICSL Variant Classification Criteria 13 December 2019. Collection method: clinical testing. Allele origin: germline.
Comment: This variant was observed in the ICSL laboratory as part of a predisposition screen in an ostensibly healthy population. It had not been previously curated by ICSL or reported in the Human Gene Mutation Database (HGMD: prior to June 1st, 2018), and was therefore a candidate for classification through an automated scoring system. Utilizing variant allele frequency, disease prevalence and penetrance estimates, and inheritance mode, an automated score was calculated to assess if this variant is too frequent to cause the disease. Based on the score and internal cut-off values, a variant classified as benign is not then subjected to further curation. The score for this variant resulted in a classification of benign for this disease.

Eurofins Ntd Llc (ga)
Classification: Benign. Last evaluated: 2016-05-18. Review status: criteria provided, single submitter. Criteria: EGL Classification Definitions 2015. Collection method: clinical testing. Allele origin: germline. Observed: 2 variant alleles, 2 heterozygotes.

Breakthrough Genomics
Classification: Benign. Review status: criteria provided, single submitter. Criteria: ACMG Guidelines, 2015. Collection method: not provided. Allele origin: germline. Inheritance: Autosomal dominant inheritance. Affected: yes.

PreventionGenetics, part of Exact Sciences
Classification: Benign. Review status: criteria provided, single submitter. Criteria: ACMG Guidelines, 2015. Collection method: clinical testing. Allele origin: germline.

Clinical Genetics DNA and cytogenetics Diagnostics Lab, Erasmus MC, Erasmus Medical Center
Classification: Benign. Review status: no assertion criteria provided. Collection method: clinical testing. Allele origin: germline. Affected: yes. Study: VKGL Data-share Consensus. Not counted in ClinVar's aggregate classification.

Diagnostic Laboratory, Department of Genetics, University Medical Center Groningen
Classification: Benign. Review status: no assertion criteria provided. Collection method: clinical testing. Allele origin: germline. Affected: yes. Study: VKGL Data-share Consensus. Not counted in ClinVar's aggregate classification.

Genome Diagnostics Laboratory, Amsterdam University Medical Center
Classification: Benign. Review status: no assertion criteria provided. Collection method: clinical testing. Allele origin: germline. Affected: yes. Study: VKGL Data-share Consensus. Not counted in ClinVar's aggregate classification.